The following is an entry in ClinVar:

NM_016123.4(IRAK4):c.*623A>G

Gene: IRAK4 (interleukin 1 receptor associated kinase 4; plus strand). Cytogenetic location: 12q12.
Variant type: single nucleotide variant.
Coding change: c.*623A>G on transcript NM_016123.4 (MANE Select); 623 bases downstream of the stop codon, A replaced by G.
Molecular consequence: 3 prime UTR variant.
Genome position (GRCh38, 1-based): chr12:43,787,338, A>G. VCF-style: chr12-43787338-A-G. GRCh37 (hg19) VCF-style: chr12-44181141-A-G.
Other names: c.*623A>G (NM_001114182.3, NM_001145256.2, NM_001145257.2 and 9 more transcripts).
Identifiers: ClinVar variation 308741 (VCV000308741.6), dbSNP rs4251552, ClinGen allele CA10642239.

ClinVar aggregate classification (germline): Benign. Review status: criteria provided, multiple submitters, no conflicts (2 of 4 stars). 2 submissions from 2 submitters: Benign (2). Last evaluated 2018-01-13.

Conditions:
Immunodeficiency 67. Also called: Immunodeficiency due to interleukin-1 receptor-associated kinase-4 deficiency. Identifiers: Orphanet 70592, MedGen C1843256, MONDO:0011888, OMIM 607676.

Allele frequency attached by ClinVar (database versions not stated): 1000 Genomes Project 30x 0.02342; 1000 Genomes Project 0.02416; TOPMed 0.03724; gnomAD 0.04621 and 0.04624; gnomAD exomes 0.04808.
gnomAD v4.1: 7,070 of 152,630 alleles (4.6%); highest among the groups gnomAD compares: Middle Eastern, 7.5%; 254 homozygotes.

Submissions (2):

Illumina Laboratory Services, Illumina
Classification: Benign for Immunodeficiency 67. Last evaluated: 2018-01-13. Review status: criteria provided, single submitter. Criteria: ICSL Variant Classification Criteria 13 December 2019. Collection method: clinical testing. Allele origin: germline.
Comment: This variant was observed in the ICSL laboratory as part of a predisposition screen in an ostensibly healthy population. It had not been previously curated by ICSL or reported in the Human Gene Mutation Database (HGMD: prior to June 1st, 2018), and was therefore a candidate for classification through an automated scoring system. Utilizing variant allele frequency, disease prevalence and penetrance estimates, and inheritance mode, an automated score was calculated to assess if this variant is too frequent to cause the disease. Based on the score and internal cut-off values, a variant classified as benign is not then subjected to further curation. The score for this variant resulted in a classification of benign for this disease.

Breakthrough Genomics
Classification: Benign. Review status: criteria provided, single submitter. Criteria: ACMG Guidelines, 2015. Collection method: not provided. Allele origin: germline. Inheritance: Autosomal recessive inheritance. Affected: yes.